The following is an entry in ClinVar:

NM_006343.3(MERTK):c.1852G>T (p.Val618Leu)

Gene: MERTK (MER proto-oncogene, tyrosine kinase; plus strand). Cytogenetic location: 2q13.
Variant type: single nucleotide variant.
Coding change: c.1852G>T on transcript NM_006343.3 (MANE Select); coding-DNA position 1852, G replaced by T.
Protein change: p.Val618Leu; replaces valine 618 with leucine.
Molecular consequence: missense variant.
Genome position (GRCh38, 1-based): chr2:112,003,969, G>T. VCF-style: chr2-112003969-G-T. GRCh37 (hg19) VCF-style: chr2-112761546-G-T.
Other names: c.1852G>T (NM_006343.2); short protein forms V618L.
Identifiers: ClinVar variation 1056754 (VCV001056754.6), dbSNP rs747249391, ClinGen allele CA1831562.

ClinVar aggregate classification (germline): Uncertain significance. Review status: criteria provided, multiple submitters, no conflicts (2 of 4 stars). 3 submissions from 3 submitters: Uncertain significance (3). Last evaluated 2022-10-26.

Conditions:
Inborn genetic diseases. Identifiers: MedGen C0950123, MeSH D030342.

Allele frequency attached by ClinVar (database versions not stated): gnomAD exomes 0.00003 and 0.00015; gnomAD 0.00006 and 0.00007; ExAC 0.00009; TOPMed 0.00009.
gnomAD v4.1: 51 of 1,613,188 alleles (0.0032%); highest among the groups gnomAD compares: Admixed American, 0.083%; no homozygotes.

Submissions (3):

Ambry Genetics
Classification: Uncertain significance for Inborn genetic diseases. Last evaluated: 2022-10-26. Review status: criteria provided, single submitter. Criteria: Ambry Variant Classification Scheme 2023. Collection method: clinical testing. Allele origin: germline.

Labcorp Genetics (formerly Invitae), Labcorp
Classification: Uncertain significance. Last evaluated: 2022-07-12. Review status: criteria provided, single submitter. Criteria: Invitae Variant Classification Sherloc (09022015). Collection method: clinical testing. Allele origin: germline.
Comment: This sequence change replaces valine, which is neutral and non-polar, with leucine, which is neutral and non-polar, at codon 618 of the MERTK protein (p.Val618Leu). This variant is present in population databases (rs747249391, gnomAD 0.1%). This variant has not been reported in the literature in individuals affected with MERTK-related conditions. ClinVar contains an entry for this variant (Variation ID: 1056754). Algorithms developed to predict the effect of missense changes on protein structure and function are either unavailable or do not agree on the potential impact of this missense change (SIFT: "Deleterious"; PolyPhen-2: "Possibly Damaging"; Align-GVGD: "Class C0"). In summary, the available evidence is currently insufficient to determine the role of this variant in disease. Therefore, it has been classified as a Variant of Uncertain Significance.

Blueprint Genetics
Classification: Uncertain significance. Last evaluated: 2019-06-29. Review status: criteria provided, single submitter. Criteria: ACMG Guidelines, 2015. Collection method: clinical testing. Allele origin: germline.